The following is an entry in ClinVar:

ClinVar aggregate classification (germline): Likely benign. Review status: criteria provided, multiple submitters, no conflicts (2 of 4 stars). 2 submissions from 2 submitters: Likely benign (2). Last evaluated 2025-01-28.

Conditions:
EAST syndrome (SESAMES). Also called: SEIZURES, SENSORINEURAL DEAFNESS, ATAXIA, IMPAIRED INTELLECTUAL DEVELOPMENT, AND ELECTROLYTE IMBALANCE. Identifiers: Orphanet 199343, MedGen C2748572, MONDO:0013005, OMIM 612780.

Allele frequency attached by ClinVar (database versions not stated): TOPMed 0.00006.

Submissions (2):

Labcorp Genetics (formerly Invitae), Labcorp
Classification: Likely benign for EAST syndrome. Last evaluated: 2025-01-28. Review status: criteria provided, single submitter. Criteria: Invitae Variant Classification Sherloc (09022015). Collection method: clinical testing. Allele origin: germline.

GeneDx
Classification: Likely benign. Last evaluated: 2017-05-16. Review status: criteria provided, single submitter. Criteria: GeneDx Variant Classification (06012015). Collection method: clinical testing. Allele origin: germline. Affected: yes.
Comment: This variant is considered likely benign or benign based on one or more of the following criteria: it is a conservative change, it occurs at a poorly conserved position in the protein, it is predicted to be benign by multiple in silico algorithms, and/or has population frequency not consistent with disease.

NM_002241.5(KCNJ10):c.300C>T (p.Asp100=)

Gene: KCNJ10 (potassium inwardly rectifying channel subfamily J member 10; minus strand). Cytogenetic location: 1q23.2.
Variant type: single nucleotide variant.
Coding change: c.300C>T on transcript NM_002241.5 (MANE Select); coding-DNA position 300, C replaced by T.
Protein change: p.Asp100=; no amino-acid change (aspartic acid 100 retained).
Molecular consequence: synonymous variant.
Genome position (GRCh38, 1-based): chr1:160,042,233, G>A on the plus strand (C>T on the coding strand, the complement: KCNJ10 is on the minus strand). VCF-style: chr1-160042233-G-A. GRCh37 (hg19) VCF-style: chr1-160012023-G-A.
Identifiers: ClinVar variation 509572 (VCV000509572.10), dbSNP rs139069413, ClinGen allele CA1193260.